The following is an entry in ClinVar:

NM_020461.4(TUBGCP6):c.2949G>T (p.Gln983His)

Gene: TUBGCP6 (tubulin gamma complex component 6; minus strand). Cytogenetic location: 22q13.33.
Variant type: single nucleotide variant.
Coding change: c.2949G>T on transcript NM_020461.4 (MANE Select); coding-DNA position 2949, G replaced by T.
Protein change: p.Gln983His; replaces glutamine 983 with histidine.
Molecular consequence: missense variant.
Genome position (GRCh38, 1-based): chr22:50,221,410, C>A on the plus strand (G>T on the coding strand, the complement: TUBGCP6 is on the minus strand). VCF-style: chr22-50221410-C-A. GRCh37 (hg19) VCF-style: chr22-50659839-C-A.
Other names: short protein forms Q983H.
Identifiers: ClinVar variation 1312840 (VCV001312840.2), dbSNP rs779997297, ClinGen allele CA10308082.

ClinVar aggregate classification (germline): Uncertain significance (1 of 4 stars; one submission).

Allele frequency attached by ClinVar (database versions not stated): gnomAD exomes below 0.00001 and 0.00001; ExAC 0.00002.
gnomAD v4.1: 6 of 1,604,264 alleles (0.00037%); highest among the groups gnomAD compares: Admixed American, 0.0017%; no homozygotes.

Submission:

GeneDx
Classification: Uncertain significance. Last evaluated: 2020-06-25. Review status: criteria provided, single submitter. Criteria: GeneDx Variant Classification Process June 2021. Collection method: clinical testing. Allele origin: germline. Affected: yes.
Comment: Not observed at a significant frequency in large population cohorts (Lek et al., 2016); In silico analysis supports that this missense variant does not alter protein structure/function; Has not been previously published as pathogenic or benign to our knowledge